The following is an entry in ClinVar:

ClinVar aggregate classification (germline): Likely pathogenic (1 of 4 stars; one submission).

Conditions:
Telangiectasia, hereditary hemorrhagic, type 2 (HHT2). Also called: ACVRL1-Related Hereditary Hemorrhagic Telangiectasia; Telangiectasia, hereditary hemorrhagic, type II. Identifiers: Orphanet 774, MedGen C1838163, MONDO:0010880, OMIM 600376. Disease mechanism: loss of function.

Submission:

Labcorp Genetics (formerly Invitae), Labcorp
Classification: Likely pathogenic for Telangiectasia, hereditary hemorrhagic, type 2. Last evaluated: 2018-10-31. Review status: criteria provided, single submitter. Criteria: Invitae Variant Classification Sherloc (09022015). Collection method: clinical testing. Allele origin: germline.
Comment: This sequence change replaces cysteine with tryptophan at codon 89 of the ACVRL1 protein (p.Cys89Trp). The cysteine residue is highly conserved and there is a large physicochemical difference between cysteine and tryptophan. This variant is not present in population databases (ExAC no frequency). Algorithms developed to predict the effect of missense changes on protein structure and function (SIFT, PolyPhen-2, Align-GVGD) all suggest that this variant is likely to be disruptive, but these predictions have not been confirmed by published functional studies and their clinical significance is uncertain. Algorithms developed to predict the effect of sequence changes on RNA splicing suggest that this variant may create or strengthen a splice site, but this prediction has not been confirmed by published transcriptional studies. This variant disrupts the p.Cys89 amino acid residue in ACVRL1. Other variant(s) that disrupt this residue have been observed in affected individuals (PMID: 17786384, Invitae), suggesting that it is a clinically significant residue. As a result, variants that disrupt this residue are likely to be causative of disease. In summary, the currently available evidence indicates that the variant is pathogenic, but additional data are needed to prove that conclusively. Therefore, this variant has been classified as Likely Pathogenic. This variant affects a cysteine residue located within the ACVRL1 protein ectodomain. Cysteine residues in this domain of ACVRL1 are involved in the formation of disulfide bridges critical for protein structure and stability (PMID: 22028876, 22718755, 22799562). In addition, missense substitutions within the ACVRL1 ectodomain affecting cysteine residues are overrepresented in patients with HHT (PMID: 20501893, 26176610 and an online resource).

Literature cited by the submitters: PubMed 17786384; PubMed 22028876; PubMed 22718755; PubMed 22799562; PubMed 20501893; PubMed 26176610.

NM_000020.3(ACVRL1):c.267C>G (p.Cys89Trp)

Gene: ACVRL1 (activin A receptor like type 1; plus strand). Cytogenetic location: 12q13.13.
Variant type: single nucleotide variant.
Coding change: c.267C>G on transcript NM_000020.3 (MANE Select); coding-DNA position 267, C replaced by G.
Protein change: p.Cys89Trp; replaces cysteine 89 with tryptophan.
Molecular consequence: missense variant.
Genome position (GRCh38, 1-based): chr12:51,913,304, C>G. VCF-style: chr12-51913304-C-G. GRCh37 (hg19) VCF-style: chr12-52307088-C-G.
Other names: c.267C>G, p.Cys89Trp (NM_001077401.2); short protein forms C89W.
Identifiers: ClinVar variation 652880 (VCV000652880.8), dbSNP rs1592221930, ClinGen allele CA384898037.